The following is an entry in ClinVar:

ClinVar aggregate classification (germline): Likely benign (0 of 4 stars; one submission).

Conditions:
VPS13B-related disorder. Also called: VPS13B-related condition.

Submission:

PreventionGenetics, part of Exact Sciences
Classification: Likely benign for VPS13B-related condition. Last evaluated: 2021-12-23. Review status: no assertion criteria provided. Collection method: clinical testing. Allele origin: germline.
Comment: This variant is classified as likely benign based on ACMG/AMP sequence variant interpretation guidelines (Richards et al. 2015 PMID: 25741868, with internal and published modifications).

NM_152564.5(VPS13B):c.6885G>C (p.Gly2295=)

Gene: VPS13B (vacuolar protein sorting 13 homolog B; plus strand). Cytogenetic location: 8q22.2.
Variant type: single nucleotide variant.
Coding change: c.6885G>C on transcript NM_152564.5 (MANE Select); coding-DNA position 6885, G replaced by C.
Protein change: p.Gly2295=; no amino-acid change (glycine 2295 retained).
Molecular consequence: synonymous variant.
Genome position (GRCh38, 1-based): chr8:99,720,882, G>C. VCF-style: chr8-99720882-G-C. GRCh37 (hg19) VCF-style: chr8-100733110-G-C.
Other names: c.6960G>C, p.Gly2320= (NM_017890.5).
Identifiers: ClinVar variation 3354923 (VCV003354923.1).
Genomic context (GRCh38, chr8:99,720,882, plus strand): 5'-CCCCTTTAAATCATACAATTAATTATACTTTTATTTGACAGAATCTTTGAAATTGCCTGG[G>C]GTCTATGAAGTCTTATTTTATAATGAAACTGAAGATTGCCCAGGGATGATGTTATGGAGA-3'
Protein context (NP_689777.3, residues 2285-2305): VQDAESLKLP[Gly2295=]VYEVLFYNET